The following is an entry in ClinVar:

NM_181703.4(GJA5):c.496G>A (p.Gly166Ser)

Gene: GJA5 (gap junction protein alpha 5; minus strand). Cytogenetic location: 1q21.2.
Variant type: single nucleotide variant.
Coding change: c.496G>A on transcript NM_181703.4 (MANE Select); coding-DNA position 496, G replaced by A.
Protein change: p.Gly166Ser; replaces glycine 166 with serine.
Molecular consequence: missense variant.
Genome position (GRCh38, 1-based): chr1:147,758,743, C>T on the plus strand (G>A on the coding strand, the complement: GJA5 is on the minus strand). VCF-style: chr1-147758743-C-T. GRCh37 (hg19) VCF-style: chr1-147230851-C-T.
Other names: c.496G>A, p.Gly166Ser (NM_005266.7); c.496G>A (NM_005266.5); short protein forms G166S.
Identifiers: ClinVar variation 577850 (VCV000577850.8), dbSNP rs782065420, ClinGen allele CA1065754.

ClinVar aggregate classification (germline): Uncertain significance. Review status: criteria provided, multiple submitters, no conflicts (2 of 4 stars). 3 submissions from 3 submitters: Uncertain significance (3). Last evaluated 2025-02-27.

Conditions:
Atrial fibrillation, familial, 11 (ATFB11). Identifiers: MedGen C3279693, MONDO:0013544, OMIM 614049.
Atrial standstill 1 (ATRST1). Also called: ATRIAL CARDIOMYOPATHY WITH HEART BLOCK; Atrial standstill, digenic (GJA5/SCN5A); CARDIOMYOPATHY, FAMILIAL, WITH CONDUCTION DISTURBANCE. Identifiers: Orphanet 1344, MedGen C4551959, MONDO:0007171, OMIM 108770.

Allele frequency attached by ClinVar (database versions not stated): ExAC 0.00001; gnomAD 0.00001 and 0.00002; gnomAD exomes 0.00002; TOPMed 0.00002.
gnomAD v4.1: 38 of 1,613,988 alleles (0.0024%); highest among the groups gnomAD compares: Admixed American, 0.0033%; no homozygotes.

Submissions (3):

Labcorp Genetics (formerly Invitae), Labcorp
Classification: Uncertain significance for Atrial fibrillation, familial, 11; Atrial standstill 1. Last evaluated: 2025-02-27. Review status: criteria provided, single submitter. Criteria: Invitae Variant Classification Sherloc (09022015). Collection method: clinical testing. Allele origin: germline.
Comment: This sequence change replaces glycine, which is neutral and non-polar, with serine, which is neutral and polar, at codon 166 of the GJA5 protein (p.Gly166Ser). This variant is present in population databases (rs782065420, gnomAD 0.003%). This variant has not been reported in the literature in individuals affected with GJA5-related conditions. ClinVar contains an entry for this variant (Variation ID: 577850). Invitae Evidence Modeling of protein sequence and biophysical properties (such as structural, functional, and spatial information, amino acid conservation, physicochemical variation, residue mobility, and thermodynamic stability) indicates that this missense variant is not expected to disrupt GJA5 protein function with a negative predictive value of 80%. In summary, the available evidence is currently insufficient to determine the role of this variant in disease. Therefore, it has been classified as a Variant of Uncertain Significance.

GeneDx
Classification: Uncertain significance. Last evaluated: 2024-03-19. Review status: criteria provided, single submitter. Criteria: GeneDx Variant Classification Process June 2021. Collection method: clinical testing. Allele origin: germline. Affected: yes.
Comment: Has not been previously published as pathogenic or benign to our knowledge; Not observed at significant frequency in large population cohorts (gnomAD); In silico analysis supports that this missense variant has a deleterious effect on protein structure/function

Revvity Omics, Revvity
Classification: Uncertain significance. Last evaluated: 2021-12-06. Review status: criteria provided, single submitter. Criteria: ACMG Guidelines, 2015. Collection method: clinical testing. Allele origin: germline.